The following is an entry in ClinVar:

ClinVar aggregate classification (germline): Conflicting classifications of pathogenicity. Review status: criteria provided, conflicting classifications (1 of 4 stars). 3 submissions from 3 submitters: Pathogenic (1); Likely pathogenic (1); Uncertain significance (1). Last evaluated 2025-02-07.

Conditions:
Inborn genetic diseases. Identifiers: MedGen C0950123, MeSH D030342.
Developmental and epileptic encephalopathy, 7 (DEE7). Also called: KCNQ2-Related Neonatal Epileptic Encephalopathy; Early infantile epileptic encephalopathy 7; KCNQ2-Related Neonatal-Onset Developmental and Epileptic Encephalopathy (NEO-DEE). Identifiers: Orphanet 439218, MedGen C3150986, MONDO:0013387, OMIM 613720.

Submissions (3):

GeneDx
Classification: Pathogenic. Last evaluated: 2025-02-07. Review status: criteria provided, single submitter. Criteria: GeneDx Variant Classification Process June 2021. Collection method: clinical testing. Allele origin: germline. Affected: yes.
Comment: Not observed at significant frequency in large population cohorts (gnomAD); In silico analysis supports that this missense variant has a deleterious effect on protein structure/function; This substitution is predicted to be within the pore forming loop between the S5 and S6 transmembrane segments; This variant is associated with the following publications: (PMID: 35906921, 27864847)

Pediatrics, West China Second University Hospital, Sichuan University
Classification: Likely pathogenic for Developmental and epileptic encephalopathy, 7. Last evaluated: 2019-12-09. Review status: criteria provided, single submitter. Criteria: ACMG Guidelines, 2015. Collection method: clinical testing. Allele origin: de novo. Affected: yes.

Ambry Genetics
Classification: Uncertain significance for Inborn genetic diseases. Last evaluated: 2016-04-20. Review status: criteria provided, single submitter. Criteria: Ambry Variant Classification Scheme 2023. Collection method: clinical testing. Allele origin: germline.
Comment: The p.R291S variant (also known as c.873G>C), located in coding exon 6 of the KCNQ2 gene, results from a G to C substitution at nucleotide position 873. The arginine at codon 291 is replaced by serine, an amino acid with dissimilar properties. This variant was not reported in population based cohorts in the following databases: Database of Single Nucleotide Polymorphisms (dbSNP), NHLBI Exome Sequencing Project (ESP), and 1000 Genomes Project. In the ESP, this variant was not observed in 6503 samples (13006 alleles) with coverage at this position. This amino acid position is highly conserved in available vertebrate species. In addition, the in silico prediction for this alteration is inconclusive. Since supporting evidence is limited at this time, the clinical significance of this alteration remains unclear.

NM_172107.4(KCNQ2):c.873G>C (p.Arg291Ser)

Gene: KCNQ2 (potassium voltage-gated channel subfamily Q member 2; minus strand). Cytogenetic location: 20q13.33.
Variant type: single nucleotide variant.
Coding change: c.873G>C on transcript NM_172107.4 (MANE Select); coding-DNA position 873, G replaced by C.
Protein change: p.Arg291Ser; replaces arginine 291 with serine.
Molecular consequence: missense variant.
Genome position (GRCh38, 1-based): chr20:63,439,652, C>G on the plus strand (G>C on the coding strand, the complement: KCNQ2 is on the minus strand). VCF-style: chr20-63439652-C-G. GRCh37 (hg19) VCF-style: chr20-62071005-C-G.
Other names: c.873G>C, p.Arg291Ser (NM_004518.6, NM_172106.3, NM_172108.5 and 1 more transcripts); short protein forms R291S.
Identifiers: ClinVar variation 587825 (VCV000587825.8), dbSNP rs1057519535, ClinGen allele CA409652601.